The following is an entry in ClinVar:

NM_172107.4(KCNQ2):c.1955C>T (p.Pro652Leu)

Gene: KCNQ2 (potassium voltage-gated channel subfamily Q member 2; minus strand). Cytogenetic location: 20q13.33.
Variant type: single nucleotide variant.
Coding change: c.1955C>T on transcript NM_172107.4 (MANE Select); coding-DNA position 1955, C replaced by T.
Protein change: p.Pro652Leu; replaces proline 652 with leucine.
Molecular consequence: missense variant.
Genome position (GRCh38, 1-based): chr20:63,407,308, G>A on the plus strand (C>T on the coding strand, the complement: KCNQ2 is on the minus strand). VCF-style: chr20-63407308-G-A. GRCh37 (hg19) VCF-style: chr20-62038661-G-A.
Other names: p.P652L:CCG>CTG; c.1871C>T, p.Pro624Leu (NM_004518.6); c.1901C>T, p.Pro634Leu (NM_172106.3); c.1862C>T, p.Pro621Leu (NM_172108.5); short protein forms P652L, P634L, P621L, P624L.
Identifiers: ClinVar variation 205951 (VCV000205951.41), dbSNP rs770730662, ClinGen allele CA090961.
Genomic context (GRCh38, chr20:63,407,308, plus strand): 5'-CTGTGGTACGGCGGCGCCGGCTCCGGCTCTTTGGCCCCAAAGTAGGCCTCGGTCTCTGTC[G>A]GGGGGATGCCCATCCGCTGCATGTAGATATTCACCAGGAAGTCCAGCTTCTTCTCCATGG-3'
Protein context (NP_742105.1, residues 642-662): NIYMQRMGIP[Pro652Leu]TETEAYFGAK

ClinVar aggregate classification (germline): Conflicting classifications of pathogenicity. Review status: criteria provided, conflicting classifications (1 of 4 stars). 5 submissions from 5 submitters: Uncertain significance (4); Likely benign (1). Last evaluated 2025-06-09.

Conditions:
Early-infantile DEE. Also called: Ohtahara syndrome; Early infantile epileptic encephalopathy; Early infantile epileptic encephalopathy with suppression bursts. Identifiers: Orphanet 1934, MedGen C0393706, MONDO:0800491.
Inborn genetic diseases. Identifiers: MedGen C0950123, MeSH D030342.
Developmental and epileptic encephalopathy, 7 (DEE7). Also called: KCNQ2-Related Neonatal Epileptic Encephalopathy; Early infantile epileptic encephalopathy 7; KCNQ2-Related Neonatal-Onset Developmental and Epileptic Encephalopathy (NEO-DEE). Identifiers: Orphanet 439218, MedGen C3150986, MONDO:0013387, OMIM 613720.

Allele frequency attached by ClinVar (database versions not stated): TOPMed 0.00002.
gnomAD v4.1: 54 of 1,595,920 alleles (0.0034%); highest among the groups gnomAD compares: East Asian, 0.0045%; no homozygotes.

Submissions (5):

Labcorp Genetics (formerly Invitae), Labcorp
Classification: Uncertain significance for Early-infantile DEE. Last evaluated: 2025-06-09. Review status: criteria provided, single submitter. Criteria: Invitae Variant Classification Sherloc (09022015). Collection method: clinical testing. Allele origin: germline.
Comment: This sequence change replaces proline, which is neutral and non-polar, with leucine, which is neutral and non-polar, at codon 652 of the KCNQ2 protein (p.Pro652Leu). This variant is present in population databases (rs770730662, gnomAD 0.004%). This variant has not been reported in the literature in individuals affected with KCNQ2-related conditions. ClinVar contains an entry for this variant (Variation ID: 205951). Invitae Evidence Modeling of protein sequence and biophysical properties (such as structural, functional, and spatial information, amino acid conservation, physicochemical variation, residue mobility, and thermodynamic stability) has been performed for this missense variant. However, the output from this modeling did not meet the statistical confidence thresholds required to predict the impact of this variant on KCNQ2 protein function. In summary, the available evidence is currently insufficient to determine the role of this variant in disease. Therefore, it has been classified as a Variant of Uncertain Significance.

Ambry Genetics
Classification: Uncertain significance for Inborn genetic diseases. Last evaluated: 2023-09-29. Review status: criteria provided, single submitter. Criteria: Ambry Variant Classification Scheme 2023. Collection method: clinical testing. Allele origin: germline.

CeGaT Center for Human Genetics Tuebingen
Classification: Uncertain significance. Last evaluated: 2022-11-01. Review status: criteria provided, single submitter. Criteria: CeGaT Center For Human Genetics Tuebingen Variant Classification Criteria Version 2. Collection method: clinical testing. Allele origin: germline. Affected: yes. Observed: 1 variant allele.
Comment: KCNQ2: PM2:Supporting, PP2

New York Genome Center
Classification: Uncertain significance for Developmental and epileptic encephalopathy, 7. Last evaluated: 2021-05-14. Review status: criteria provided, single submitter. Criteria: NYGC Assertion Criteria 2020. Collection method: clinical testing. Allele origin: inherited. Observed: 1 heterozygote. Study: CSER-NYCKidSeq.
Comment: The inherited missense heterozygous variant c.1901C>T, p.Pro634Leu identified in KCNQ2 has not been reported in the literature. This variant has been reported as heterozygous in six individuals in the gnomAD v3.1 database, indicating this is a rare allele. In silico tools predict conflicting interpretation of pathogenicity. Based on the available evidence, the variant c.1901C>T, p.Pro634Leu in the KCNQ2 gene is classified as a Variant of Uncertain Significance.

GeneDx
Classification: Likely benign. Last evaluated: 2019-08-05. Review status: criteria provided, single submitter. Criteria: GeneDx Variant Classification Process June 2021. Collection method: clinical testing. Allele origin: germline. Affected: yes.